The following is an entry in ClinVar:

NM_000368.5(TSC1):c.1860C>T (p.Val620=)

Gene: TSC1 (TSC complex subunit 1; minus strand). Cytogenetic location: 9q34.13.
Variant type: single nucleotide variant.
Coding change: c.1860C>T on transcript NM_000368.5 (MANE Select); coding-DNA position 1860, C replaced by T.
Protein change: p.Val620=; no amino-acid change (valine 620 retained).
Molecular consequence: synonymous variant.
Genome position (GRCh38, 1-based): chr9:132,905,718, G>A on the plus strand (C>T on the coding strand, the complement: TSC1 is on the minus strand). VCF-style: chr9-132905718-G-A. GRCh37 (hg19) VCF-style: chr9-135781105-G-A.
Other names: c.1857C>T, p.Val619= (NM_001162426.2); c.1707C>T, p.Val569= (NM_001162427.2); c.1497C>T, p.Val499= (NM_001362177.2).
Identifiers: ClinVar variation 799687 (VCV000799687.13), dbSNP rs1588308756, ClinGen allele CA467813122.

ClinVar aggregate classification (germline): Conflicting classifications of pathogenicity. Review status: criteria provided, conflicting classifications (1 of 4 stars). 4 submissions from 4 submitters: Uncertain significance (1); Benign (1); Likely benign (2). Last evaluated 2025-04-10.

Conditions:
Tuberous sclerosis 1 (TSC1). Identifiers: Orphanet 805, MedGen C1854465, MONDO:0008612, OMIM 191100.
Hereditary cancer-predisposing syndrome. Also called: Neoplastic Syndromes, Hereditary; Hereditary Cancer Syndrome; Tumor predisposition; Hereditary neoplastic syndrome. Identifiers: Orphanet 140162, MedGen C0027672, MeSH D009386, MONDO:0015356.

Allele frequency attached by ClinVar (database versions not stated): gnomAD exomes below 0.00001.
gnomAD v4.1: 2 of 1,614,158 alleles (0.00012%); highest among the groups gnomAD compares: African/African-American, 0.0027%; no homozygotes.

Submissions (4):

Myriad Genetics, Inc.
Classification: Benign for Tuberous sclerosis 1. Last evaluated: 2025-04-10. Review status: criteria provided, single submitter. Criteria: Myriad Autosomal Dominant, Autosomal Recessive and X-Linked Classification Criteria (2023). Collection method: clinical testing. Allele origin: unknown.
Comment: This variant is considered benign. This variant is a silent/synonymous amino acid change and it is not expected to impact splicing.

Ambry Genetics
Classification: Likely benign for Hereditary cancer-predisposing syndrome. Last evaluated: 2024-12-18. Review status: criteria provided, single submitter. Criteria: Ambry Variant Classification Scheme 2023. Collection method: clinical testing. Allele origin: germline.

GeneDx
Classification: Uncertain significance. Last evaluated: 2024-03-20. Review status: criteria provided, single submitter. Criteria: GeneDx Variant Classification Process June 2021. Collection method: clinical testing. Allele origin: germline. Affected: yes.
Comment: Not observed at significant frequency in large population cohorts (gnomAD); Has not been previously published as pathogenic or benign to our knowledge; In silico analysis suggests this variant may impact gene splicing. In the absence of RNA/functional studies, the actual effect of this sequence change is unknown.

Labcorp Genetics (formerly Invitae), Labcorp
Classification: Likely benign for Tuberous sclerosis 1. Last evaluated: 2024-03-16. Review status: criteria provided, single submitter. Criteria: Invitae Variant Classification Sherloc (09022015). Collection method: clinical testing. Allele origin: germline.